The following is an entry in ClinVar:

ClinVar aggregate classification (germline): Benign/Likely benign. Review status: criteria provided, multiple submitters, no conflicts (2 of 4 stars). 6 submissions from 6 submitters: Benign (1); Likely benign (5). Last evaluated 2026-01-14.

Conditions:
Diabetes mellitus, transient neonatal, 1 (TNDM1). Also called: Diabetes Mellitus, 6q24-Related Transient Neonatal. Identifiers: Orphanet 99886, MedGen C1832386, MONDO:0011073, OMIM 601410.

Allele frequency attached by ClinVar (database versions not stated): 1000 Genomes Project 30x 0.00125; gnomAD exomes 0.00125 and 0.00154; 1000 Genomes Project 0.00140; ExAC 0.00175; ESP Exome Variant Server 0.00196; gnomAD 0.00209 and 0.00218; TOPMed 0.00232.
gnomAD v4.1: 2,184 of 1,613,038 alleles (0.14%); highest among the groups gnomAD compares: Middle Eastern, 1.2%; 12 homozygotes.

Submissions (6):

Labcorp Genetics (formerly Invitae), Labcorp
Classification: Benign. Last evaluated: 2026-01-14. Review status: criteria provided, single submitter. Criteria: Invitae Variant Classification Sherloc (09022015). Collection method: clinical testing. Allele origin: germline.

ARUP Laboratories, Molecular Genetics and Genomics, ARUP Laboratories
Classification: Likely benign for Diabetes mellitus, transient neonatal, 1. Last evaluated: 2024-12-04. Review status: criteria provided, single submitter. Criteria: ARUP Molecular Germline Variant Investigation Process 2024. Collection method: clinical testing. Allele origin: germline.

Blueprint Genetics
Classification: Likely benign. Last evaluated: 2024-11-07. Review status: criteria provided, single submitter. Criteria: ACMG Guidelines, 2015. Collection method: clinical testing. Allele origin: germline.

CeGaT Center for Human Genetics Tuebingen
Classification: Likely benign. Last evaluated: 2023-09-01. Review status: criteria provided, single submitter. Criteria: CeGaT Center For Human Genetics Tuebingen Variant Classification Criteria Version 2. Collection method: clinical testing. Allele origin: germline. Affected: yes. Observed: 1 variant allele.
Comment: ZFP57: BP4, BP7, BS2

Illumina Laboratory Services, Illumina
Classification: Likely benign for Diabetes mellitus, transient neonatal, 1. Last evaluated: 2018-01-13. Review status: criteria provided, single submitter. Criteria: ICSL Variant Classification Criteria 13 December 2019. Collection method: clinical testing. Allele origin: germline.
Comment: This variant was observed in the ICSL laboratory as part of a predisposition screen in an ostensibly healthy population. It had not been previously curated by ICSL or reported in the Human Gene Mutation Database (HGMD: prior to June 1st, 2018), and was therefore a candidate for classification through an automated scoring system. Utilizing variant allele frequency, disease prevalence and penetrance estimates, and inheritance mode, an automated score was calculated to assess if this variant is too frequent to cause the disease. Based on the score and internal cut-off values, a variant classified as likely benign is not then subjected to further curation. The score for this variant resulted in a classification of likely benign for this disease.

Breakthrough Genomics
Classification: Likely benign. Review status: criteria provided, single submitter. Criteria: ACMG Guidelines, 2015. Collection method: not provided. Allele origin: germline. Inheritance: Autosomal dominant inheritance. Affected: yes.

NM_001109809.5(ZFP57):c.843C>T (p.His281=)

Gene: ZFP57 (ZFP57 zinc finger protein; minus strand). Cytogenetic location: 6p22.1.
Variant type: single nucleotide variant.
Coding change: c.843C>T on transcript NM_001109809.5 (MANE Select); coding-DNA position 843, C replaced by T.
Protein change: p.His281=; no amino-acid change (histidine 281 retained).
Molecular consequence: synonymous variant.
Genome position (GRCh38, 1-based): chr6:29,673,268, G>A on the plus strand (C>T on the coding strand, the complement: ZFP57 is on the minus strand). VCF-style: chr6-29673268-G-A. GRCh37 (hg19) VCF-style: chr6-29641045-G-A.
Other names: c.627C>T, p.His209= (NM_001366333.2).
Identifiers: ClinVar variation 904451 (VCV000904451.38), dbSNP rs141297510, ClinGen allele CA3690761.